The following is an entry in ClinVar:

NM_001164665.2(KIAA1549):c.3254G>A (p.Gly1085Glu)

Gene: KIAA1549 (KIAA1549; minus strand). Cytogenetic location: 7q34.
Variant type: single nucleotide variant.
Coding change: c.3254G>A on transcript NM_001164665.2 (MANE Select); coding-DNA position 3254, G replaced by A.
Protein change: p.Gly1085Glu; replaces glycine 1085 with glutamic acid.
Molecular consequence: missense variant.
Genome position (GRCh38, 1-based): chr7:138,909,013, C>T on the plus strand (G>A on the coding strand, the complement: KIAA1549 is on the minus strand). VCF-style: chr7-138909013-C-T. GRCh37 (hg19) VCF-style: chr7-138593759-C-T.
Other names: c.3254G>A, p.Gly1085Glu (NM_020910.3); short protein forms G1085E.
Identifiers: ClinVar variation 1038266 (VCV001038266.8), dbSNP rs1812090971, ClinGen allele CA369386840.

ClinVar aggregate classification (germline): Uncertain significance (1 of 4 stars; one submission).

Submission:

Labcorp Genetics (formerly Invitae), Labcorp
Classification: Uncertain significance. Last evaluated: 2020-07-27. Review status: criteria provided, single submitter. Criteria: Invitae Variant Classification Sherloc (09022015). Collection method: clinical testing. Allele origin: germline.
Comment: In summary, the available evidence is currently insufficient to determine the role of this variant in disease. Therefore, it has been classified as a Variant of Uncertain Significance. Algorithms developed to predict the effect of missense changes on protein structure and function are either unavailable or do not agree on the potential impact of this missense change (SIFT: "Tolerated"; PolyPhen-2: "Probably Damaging"; Align-GVGD: "Class C0"). This variant has not been reported in the literature in individuals with KIAA1549-related conditions. This variant is not present in population databases (ExAC no frequency). This sequence change replaces glycine with glutamic acid at codon 1085 of the KIAA1549 protein (p.Gly1085Glu). The glycine residue is moderately conserved and there is a moderate physicochemical difference between glycine and glutamic acid.